The following is an entry in ClinVar:

ClinVar aggregate classification (germline): Likely benign. Review status: criteria provided, multiple submitters, no conflicts (2 of 4 stars). 3 submissions from 3 submitters: Likely benign (3). Last evaluated 2025-11-01.

Conditions:
Hypokalemic periodic paralysis, type 1. Also called: HypoPP; Hypokalemic Periodic Paralysis Type 1 (AD). Identifiers: Orphanet 681, MedGen C3714580, MONDO:0042979, OMIM 170400.
Malignant hyperthermia, susceptibility to, 5 (MHS5). Also called: CACNA1S-Related Malignant Hyperthermia Susceptibility. Identifiers: Orphanet 423, MedGen C1866077, MONDO:0011163, OMIM 601887.

Allele frequency attached by ClinVar (database versions not stated): gnomAD exomes 0.00001; 1000 Genomes Project 30x 0.00016; 1000 Genomes Project 0.00020.
gnomAD v4.1: 14 of 1,614,148 alleles (0.00087%); highest among the groups gnomAD compares: South Asian, 0.011%; no homozygotes.

Submissions (3):

CeGaT Center for Human Genetics Tuebingen
Classification: Likely benign. Last evaluated: 2025-11-01. Review status: criteria provided, single submitter. Criteria: CeGaT Center For Human Genetics Tuebingen Variant Classification Criteria Version 2. Collection method: clinical testing. Allele origin: germline. Affected: yes. Observed: 1 variant allele.
Comment: CACNA1S: BP4, BP7

Labcorp Genetics (formerly Invitae), Labcorp
Classification: Likely benign for Hypokalemic periodic paralysis, type 1; Malignant hyperthermia, susceptibility to, 5. Last evaluated: 2025-04-20. Review status: criteria provided, single submitter. Criteria: Invitae Variant Classification Sherloc (09022015). Collection method: clinical testing. Allele origin: germline.

All of Us Research Program, National Institutes of Health
Classification: Likely benign for Malignant hyperthermia, susceptibility to, 5. Last evaluated: 2023-06-26. Review status: criteria provided, single submitter. Criteria: ACMG Guidelines, 2015. Collection method: clinical testing. Allele origin: germline. Inheritance: Autosomal dominant inheritance. Observed: 2 variant alleles, 2 heterozygotes.
Comment: This study involves interpretation of variants in research participants for the purpose of population health screening. Participant phenotype was not available at the time of variant classification. Additional details can be found in publication PMID: 35346344, PMCID: PMC8962531

NM_000069.3(CACNA1S):c.159C>T (p.Phe53=)

Gene: CACNA1S (calcium voltage-gated channel subunit alpha1 S; minus strand). Cytogenetic location: 1q32.1.
Variant type: single nucleotide variant.
Coding change: c.159C>T on transcript NM_000069.3 (MANE Select); coding-DNA position 159, C replaced by T.
Protein change: p.Phe53=; no amino-acid change (phenylalanine 53 retained).
Molecular consequence: synonymous variant.
Genome position (GRCh38, 1-based): chr1:201,110,263, G>A on the plus strand (C>T on the coding strand, the complement: CACNA1S is on the minus strand). VCF-style: chr1-201110263-G-A. GRCh37 (hg19) VCF-style: chr1-201079391-G-A.
Identifiers: ClinVar variation 541064 (VCV000541064.16), dbSNP rs199720439, ClinGen allele CA078434.